The following is an entry in ClinVar:

ClinVar aggregate classification (germline): Likely benign. Review status: criteria provided, multiple submitters, no conflicts (2 of 4 stars). 3 submissions from 3 submitters: Likely benign (3). Last evaluated 2025-11-07.

Conditions:
SPTB-related disorder. Also called: SPTB-Related Disorders; SPTB-related condition.

gnomAD v4.1: 104 of 1,613,502 alleles (0.0064%); highest among the groups gnomAD compares: South Asian, 0.022%; no homozygotes.

Submissions (3):

PreventionGenetics, part of Exact Sciences
Classification: Likely benign for SPTB-related condition. Last evaluated: 2025-11-07. Review status: criteria provided, single submitter. Criteria: ACMG Guidelines, 2015. Collection method: clinical testing. Allele origin: germline.
Comment: This variant is classified as likely benign based on ACMG/AMP sequence variant interpretation guidelines (Richards et al. 2015 PMID: 25741868, with internal and published modifications).

CeGaT Center for Human Genetics Tuebingen
Classification: Likely benign. Last evaluated: 2025-08-01. Review status: criteria provided, single submitter. Criteria: CeGaT Center For Human Genetics Tuebingen Variant Classification Criteria Version 2. Collection method: clinical testing. Allele origin: germline. Affected: yes. Observed: 1 variant allele.
Comment: SPTB: BP4, BP7

ARUP Laboratories, Molecular Genetics and Genomics, ARUP Laboratories
Classification: Likely benign. Last evaluated: 2023-12-29. Review status: criteria provided, single submitter. Criteria: ARUP Molecular Germline Variant Investigation Process 2024. Collection method: clinical testing. Allele origin: germline.

NM_001355436.2(SPTB):c.5289C>T (p.Ser1763=)

Gene: SPTB (spectrin beta, erythrocytic; minus strand). Cytogenetic location: 14q23.3.
Variant type: single nucleotide variant.
Coding change: c.5289C>T on transcript NM_001355436.2 (MANE Select); coding-DNA position 5289, C replaced by T.
Protein change: p.Ser1763=; no amino-acid change (serine 1763 retained).
Molecular consequence: synonymous variant.
Genome position (GRCh38, 1-based): chr14:64,772,844, G>A on the plus strand (C>T on the coding strand, the complement: SPTB is on the minus strand). VCF-style: chr14-64772844-G-A. GRCh37 (hg19) VCF-style: chr14-65239562-G-A.
Other names: c.5289C>T (NM_001024858.2); c.5289C>T, p.Ser1763= (NM_001024858.4, NM_001355437.2).
Identifiers: ClinVar variation 3766854 (VCV003766854.10).